The following is an entry in ClinVar:

ClinVar aggregate classification (germline): Conflicting classifications of pathogenicity. Review status: criteria provided, conflicting classifications (1 of 4 stars). 5 submissions from 5 submitters: Uncertain significance (4); Likely benign (1). Last evaluated 2026-01-19.

Conditions:
Inborn genetic diseases. Identifiers: MedGen C0950123, MeSH D030342.
COL12A1-related disorder. Also called: COL12A1-related condition.
Ullrich congenital muscular dystrophy 2 (UCMD2). Identifiers: Orphanet 75840, MedGen C4225314, MONDO:0014654, OMIM 616470.
Bethlem myopathy 2 (BTHLM2). Identifiers: Orphanet 536516, Orphanet 610, MedGen C4225313, MONDO:0034022, OMIM 616471.

Allele frequency attached by ClinVar (database versions not stated): gnomAD 0.00003; gnomAD exomes 0.00003; TOPMed 0.00005; ExAC 0.00006; 1000 Genomes Project 30x 0.00016; ESP Exome Variant Server 0.00017; 1000 Genomes Project 0.00020.
gnomAD v4.1: 52 of 1,613,920 alleles (0.0032%); highest among the groups gnomAD compares: African/African-American, 0.029%; no homozygotes.

Submissions (5):

Labcorp Genetics (formerly Invitae), Labcorp
Classification: Likely benign for Bethlem myopathy 2; Ullrich congenital muscular dystrophy 2. Last evaluated: 2026-01-19. Review status: criteria provided, single submitter. Criteria: Invitae Variant Classification Sherloc (09022015). Collection method: clinical testing. Allele origin: germline.

PreventionGenetics, part of Exact Sciences
Classification: Uncertain significance for COL12A1-related condition. Last evaluated: 2024-10-29. Review status: criteria provided, single submitter. Criteria: ACMG Guidelines, 2015. Collection method: clinical testing. Allele origin: germline.
Comment: The COL12A1 c.4781G>A variant is predicted to result in the amino acid substitution p.Arg1594His. To our knowledge, this variant has not been reported in the literature. This variant is reported in 0.013% of alleles in individuals of South Asian descent in gnomAD. At this time, the clinical significance of this variant is uncertain due to the absence of conclusive functional and genetic evidence.

Ambry Genetics
Classification: Uncertain significance for Inborn genetic diseases. Last evaluated: 2024-10-09. Review status: criteria provided, single submitter. Criteria: Ambry Variant Classification Scheme 2023. Collection method: clinical testing. Allele origin: germline.

GeneDx
Classification: Uncertain significance. Last evaluated: 2024-06-10. Review status: criteria provided, single submitter. Criteria: GeneDx Variant Classification Process June 2021. Collection method: clinical testing. Allele origin: germline. Affected: yes.
Comment: Has not been previously published as pathogenic or benign to our knowledge; In silico analysis indicates that this missense variant does not alter protein structure/function

Revvity Omics, Revvity
Classification: Uncertain significance. Last evaluated: 2020-11-30. Review status: criteria provided, single submitter. Criteria: ACMG Guidelines, 2015. Collection method: clinical testing. Allele origin: germline.

NM_004370.6(COL12A1):c.4781G>A (p.Arg1594His)

Gene: COL12A1 (collagen type XII alpha 1 chain; minus strand). Cytogenetic location: 6q13.
Variant type: single nucleotide variant.
Coding change: c.4781G>A on transcript NM_004370.6 (MANE Select); coding-DNA position 4781, G replaced by A.
Protein change: p.Arg1594His; replaces arginine 1594 with histidine.
Molecular consequence: missense variant.
Genome position (GRCh38, 1-based): chr6:75,143,298, C>T on the plus strand (G>A on the coding strand, the complement: COL12A1 is on the minus strand). VCF-style: chr6-75143298-C-T. GRCh37 (hg19) VCF-style: chr6-75853014-C-T.
Other names: c.1289G>A, p.Arg430His (NM_080645.3); short protein forms R1594H, R430H.
Identifiers: ClinVar variation 1047680 (VCV001047680.15), dbSNP rs373006852, ClinGen allele CA3893350.